The following is an entry in ClinVar:

NM_001199397.3(NEK1):c.540C>T (p.Tyr180=)

Gene: NEK1 (NIMA related kinase 1; minus strand). Cytogenetic location: 4q33.
Variant type: single nucleotide variant.
Coding change: c.540C>T on transcript NM_001199397.3 (MANE Select); coding-DNA position 540, C replaced by T.
Protein change: p.Tyr180=; no amino-acid change (tyrosine 180 retained).
Molecular consequence: synonymous variant. On other transcripts: non-coding transcript variant (2).
Genome position (GRCh38, 1-based): chr4:169,588,660, G>A on the plus strand (C>T on the coding strand, the complement: NEK1 is on the minus strand). VCF-style: chr4-169588660-G-A. GRCh37 (hg19) VCF-style: chr4-170509811-G-A.
Other names: c.540C>T, p.Tyr180= (NM_001199400.3, NM_001374418.1, NM_001374419.1 and 7 more transcripts).
Identifiers: ClinVar variation 3043716 (VCV003043716.2), dbSNP rs2546925184, ClinGen allele CA442297061.
Genomic context (GRCh38, chr4:169,588,660, plus strand): 5'-AAAAAAATTGAAAGCAAATACATCACATAATGAATATCATTTTAAATACCTTTTATTATT[G>A]TAAGGTTTGTTTTCACAGATTTCAGGTGACAAGTAGTATGGGGTCCCTATGCAAGTTCGA-3'
Protein context (NP_001186326.1, residues 170-190): LSPEICENKP[Tyr180=]NNKSDIWALG

ClinVar aggregate classification (germline): Likely benign (0 of 4 stars; one submission).

Conditions:
NEK1-related disorder. Also called: NEK1-related condition.

Allele frequency attached by ClinVar (database versions not stated): gnomAD exomes below 0.00001.
gnomAD v4.1: 4 of 1,539,690 alleles (0.00026%); highest among the groups gnomAD compares: Non-Finnish European, 0.00035%; no homozygotes.

Submission:

PreventionGenetics, part of Exact Sciences
Classification: Likely benign for NEK1-related condition. Last evaluated: 2023-04-19. Review status: no assertion criteria provided. Collection method: clinical testing. Allele origin: germline.
Comment: This variant is classified as likely benign based on ACMG/AMP sequence variant interpretation guidelines (Richards et al. 2015 PMID: 25741868, with internal and published modifications).